The following is an entry in ClinVar:

ClinVar aggregate classification (germline): Benign/Likely benign. Review status: criteria provided, multiple submitters, no conflicts (2 of 4 stars). 4 submissions from 4 submitters: Benign (2); Likely benign (2). Last evaluated 2026-04-01.

Allele frequency attached by ClinVar (database versions not stated): 1000 Genomes Project 30x 0.00312; 1000 Genomes Project 0.00339; gnomAD exomes 0.00552 and 0.00817; ExAC 0.00573; gnomAD 0.00615 and 0.00620; TOPMed 0.00692; ESP Exome Variant Server 0.00769.
gnomAD v4.1: 12,828 of 1,613,198 alleles (0.8%); highest among the groups gnomAD compares: Middle Eastern, 1.6%; 73 homozygotes.

Submissions (4):

CeGaT Center for Human Genetics Tuebingen
Classification: Likely benign. Last evaluated: 2026-04-01. Review status: criteria provided, single submitter. Criteria: CeGaT Center For Human Genetics Tuebingen Variant Classification Criteria Version 2. Collection method: clinical testing. Allele origin: germline. Affected: yes. Observed: 2 variant alleles.
Comment: DNAH3: BS2

Genomic Medicine Center of Excellence, King Faisal Specialist Hospital and Research Centre
Classification: Likely benign. Last evaluated: 2025-08-18. Review status: criteria provided, single submitter. Criteria: ACMG Guidelines, 2015. Collection method: clinical testing. Allele origin: germline.

Labcorp Genetics (formerly Invitae), Labcorp
Classification: Benign. Last evaluated: 2018-07-20. Review status: criteria provided, single submitter. Criteria: Invitae Variant Classification Sherloc (09022015). Collection method: clinical testing. Allele origin: germline.

Breakthrough Genomics
Classification: Benign. Review status: criteria provided, single submitter. Criteria: ACMG Guidelines, 2015. Collection method: not provided. Allele origin: germline. Inheritance: Unknown mechanism. Affected: yes.

NM_001347886.2(DNAH3):c.10973G>A (p.Arg3658Lys)

Gene: DNAH3 (dynein axonemal heavy chain 3; minus strand). Cytogenetic location: 16p12.3.
Variant type: single nucleotide variant.
Coding change: c.10973G>A on transcript NM_001347886.2 (MANE Select); coding-DNA position 10973, G replaced by A.
Protein change: p.Arg3658Lys; replaces arginine 3658 with lysine.
Molecular consequence: missense variant.
Genome position (GRCh38, 1-based): chr16:20,952,510, C>T on the plus strand (G>A on the coding strand, the complement: DNAH3 is on the minus strand). VCF-style: chr16-20952510-C-T. GRCh37 (hg19) VCF-style: chr16-20963832-C-T.
Other names: c.11111G>A, p.Arg3704Lys (NM_017539.2); short protein forms R3658K, R3704K.
Identifiers: ClinVar variation 774340 (VCV000774340.11), dbSNP rs147732992, ClinGen allele CA7945859.